The following is an entry in ClinVar:

NM_020693.4(DSCAML1):c.6031C>T (p.Pro2011Ser)

Gene: DSCAML1 (DS cell adhesion molecule like 1; minus strand). Cytogenetic location: 11q23.3.
Variant type: single nucleotide variant.
Coding change: c.6031C>T on transcript NM_020693.4 (MANE Select); coding-DNA position 6031, C replaced by T.
Protein change: p.Pro2011Ser; replaces proline 2011 with serine.
Molecular consequence: missense variant.
Genome position (GRCh38, 1-based): chr11:117,428,459, G>A on the plus strand (C>T on the coding strand, the complement: DSCAML1 is on the minus strand). VCF-style: chr11-117428459-G-A. GRCh37 (hg19) VCF-style: chr11-117299175-G-A.
Other names: c.6211C>T (NM_020693.2); short protein forms P2011S.
Identifiers: ClinVar variation 1381874 (VCV001381874.7), dbSNP rs370252456, ClinGen allele CA6295885.

ClinVar aggregate classification (germline): Uncertain significance. Review status: criteria provided, multiple submitters, no conflicts (2 of 4 stars). 2 submissions from 2 submitters: Uncertain significance (2). Last evaluated 2025-10-21.

Allele frequency attached by ClinVar (database versions not stated): gnomAD exomes 0.00002 and 0.00009; ExAC 0.00007; ESP Exome Variant Server 0.00008; gnomAD 0.00028 and 0.00033; TOPMed 0.00033.
gnomAD v4.1: 70 of 1,525,080 alleles (0.0046%); highest among the groups gnomAD compares: African/African-American, 0.092%; no homozygotes.

Submissions (2):

Labcorp Genetics (formerly Invitae), Labcorp
Classification: Uncertain significance. Last evaluated: 2025-10-21. Review status: criteria provided, single submitter. Criteria: Invitae Variant Classification Sherloc (09022015). Collection method: clinical testing. Allele origin: germline.
Comment: This sequence change replaces proline, which is neutral and non-polar, with serine, which is neutral and polar, at codon 2071 of the DSCAML1 protein (p.Pro2071Ser). This variant is present in population databases (rs370252456, gnomAD 0.1%), and has an allele count higher than expected for a pathogenic variant. This variant has not been reported in the literature in individuals affected with DSCAML1-related conditions. ClinVar contains an entry for this variant (Variation ID: 1381874). An algorithm developed to predict the effect of missense changes on protein structure and function (PolyPhen-2) suggests that this variant is likely to be tolerated. In summary, the available evidence is currently insufficient to determine the role of this variant in disease. Therefore, it has been classified as a Variant of Uncertain Significance.

Ambry Genetics
Classification: Uncertain significance. Last evaluated: 2025-08-04. Review status: criteria provided, single submitter. Criteria: Ambry Variant Classification Scheme 2023. Collection method: clinical testing. Allele origin: germline.